The following is an entry in ClinVar:

ClinVar aggregate classification (germline): Uncertain significance (1 of 4 stars; one submission).

Conditions:
Early Myoclonic Encephalopathy. Identifiers: MedGen C0270855.

Allele frequency attached by ClinVar (database versions not stated): gnomAD exomes 0.00002; gnomAD 0.00001.
gnomAD v4.1: 30 of 1,602,560 alleles (0.0019%); highest among the groups gnomAD compares: East Asian, 0.0045%; no homozygotes.

Submission:

Labcorp Genetics (formerly Invitae), Labcorp
Classification: Uncertain significance for Early Myoclonic Encephalopathy. Last evaluated: 2024-09-05. Review status: criteria provided, single submitter. Criteria: Invitae Variant Classification Sherloc (09022015). Collection method: clinical testing. Allele origin: germline.
Comment: This sequence change replaces serine, which is neutral and polar, with leucine, which is neutral and non-polar, at codon 350 of the KCND2 protein (p.Ser350Leu). This variant is not present in population databases (gnomAD no frequency). This variant has not been reported in the literature in individuals affected with KCND2-related conditions. ClinVar contains an entry for this variant (Variation ID: 1359893). Invitae Evidence Modeling of protein sequence and biophysical properties (such as structural, functional, and spatial information, amino acid conservation, physicochemical variation, residue mobility, and thermodynamic stability) indicates that this missense variant is not expected to disrupt KCND2 protein function with a negative predictive value of 80%. In summary, the available evidence is currently insufficient to determine the role of this variant in disease. Therefore, it has been classified as a Variant of Uncertain Significance.

NM_012281.3(KCND2):c.1049C>T (p.Ser350Leu)

Gene: KCND2 (potassium voltage-gated channel subfamily D member 2; plus strand). Cytogenetic location: 7q31.31.
Variant type: single nucleotide variant.
Coding change: c.1049C>T on transcript NM_012281.3 (MANE Select); coding-DNA position 1049, C replaced by T.
Protein change: p.Ser350Leu; replaces serine 350 with leucine.
Molecular consequence: missense variant.
Genome position (GRCh38, 1-based): chr7:120,275,681, C>T. VCF-style: chr7-120275681-C-T. GRCh37 (hg19) VCF-style: chr7-119915735-C-T.
Other names: short protein forms S350L.
Identifiers: ClinVar variation 1359893 (VCV001359893.6), dbSNP rs923179893, ClinGen allele CA165779067.
Genomic context (GRCh38, chr7:120,275,681, plus strand): 5'-CGCTCACCATGGCTATCATCATCTTCGCTACAGTTATGTTCTACGCAGAGAAGGGGTCTT[C>T]GGCTAGCAAGTTCACCAGCATCCCTGCAGCCTTCTGGTATACCATCGTCACCATGACAAC-3'
Protein context (NP_036413.1, residues 340-360): TVMFYAEKGS[Ser350Leu]ASKFTSIPAA